The following is an entry in ClinVar:

NM_178229.5(IQGAP3):c.4262G>A (p.Arg1421Gln)

Gene: IQGAP3 (IQ motif containing GTPase activating protein 3; minus strand). Cytogenetic location: 1q22.
Variant type: single nucleotide variant.
Coding change: c.4262G>A on transcript NM_178229.5 (MANE Select); coding-DNA position 4262, G replaced by A.
Protein change: p.Arg1421Gln; replaces arginine 1421 with glutamine.
Molecular consequence: missense variant.
Genome position (GRCh38, 1-based): chr1:156,530,247, C>T on the plus strand (G>A on the coding strand, the complement: IQGAP3 is on the minus strand). VCF-style: chr1-156530247-C-T. GRCh37 (hg19) VCF-style: chr1-156500039-C-T.
Other names: short protein forms R1421Q.
Identifiers: ClinVar variation 3771533 (VCV003771533.13).
Genomic context (GRCh38, chr1:156,530,247, plus strand): 5'-AGGACGCGCCGCTGCTTCTCTGCCAGTGGCAGGAGGGAGTGAGCTGTCAGTGAGCGGTGT[C>T]GTCGCAGTGGCTCCGGTGTCTGGGCTGTACAGGCCTGGCGTCGGCTCATCAGCTGCTTGT-3'
Protein context (NP_839943.3, residues 1411-1431): CTAQTPEPLR[Arg1421Gln]HRSLTAHSLL

ClinVar aggregate classification (germline): Likely benign (1 of 4 stars; one submission).

gnomAD v4.1: 250 of 1,612,940 alleles (0.015%); highest among the groups gnomAD compares: South Asian, 0.14%; 1 homozygote.

Submission:

CeGaT Center for Human Genetics Tuebingen
Classification: Likely benign. Last evaluated: 2025-02-01. Review status: criteria provided, single submitter. Criteria: CeGaT Center For Human Genetics Tuebingen Variant Classification Criteria Version 2. Collection method: clinical testing. Allele origin: germline. Affected: yes. Observed: 1 variant allele.
Comment: IQGAP3: BP4, BS2